The following is an entry in ClinVar:

ClinVar aggregate classification (germline): Conflicting classifications of pathogenicity. Review status: criteria provided, conflicting classifications (1 of 4 stars). 8 submissions from 8 submitters: Uncertain significance (3); Benign (1); Likely benign (2). 2 of the submissions do not count toward it. Last evaluated 2026-02-02.

Conditions:
TH-deficient dopa-responsive dystonia. Also called: Segawa syndrome, autosomal recessive; Tyrosine Hydroxylase-Deficient Dopa-Responsive Dystonia; DYT-TH. Identifiers: Orphanet 101150, MedGen C2673535, MONDO:0011551, OMIM 605407.
TH-related disorder. Also called: TH-related condition.

Allele frequency attached by ClinVar (database versions not stated): TOPMed 0.00015; 1000 Genomes Project 30x 0.00016; gnomAD 0.00017 and 0.00025; 1000 Genomes Project 0.00020; gnomAD exomes 0.00051 and 0.00099; ExAC 0.00209.

Submissions (8):

Labcorp Genetics (formerly Invitae), Labcorp
Classification: Benign for TH-deficient dopa-responsive dystonia. Last evaluated: 2026-02-02. Review status: criteria provided, single submitter. Criteria: Invitae Variant Classification Sherloc (09022015). Collection method: clinical testing. Allele origin: germline.

Blueprint Genetics
Classification: Likely benign. Last evaluated: 2024-11-22. Review status: criteria provided, single submitter. Criteria: ACMG Guidelines, 2015. Collection method: clinical testing. Allele origin: germline.

PreventionGenetics, part of Exact Sciences
Classification: Likely benign for TH-related condition. Last evaluated: 2024-11-12. Review status: criteria provided, single submitter. Criteria: ACMG Guidelines, 2015. Collection method: clinical testing. Allele origin: germline.
Comment: This variant is classified as likely benign based on ACMG/AMP sequence variant interpretation guidelines (Richards et al. 2015 PMID: 25741868, with internal and published modifications).

Fulgent Genetics
Classification: Uncertain significance for TH-deficient dopa-responsive dystonia. Last evaluated: 2018-10-31. Review status: criteria provided, single submitter. Criteria: ACMG Guidelines, 2015. Collection method: clinical testing. Allele origin: unknown.

CeGaT Center for Human Genetics Tuebingen
Classification: Uncertain significance. Last evaluated: 2018-06-01. Review status: criteria provided, single submitter. Criteria: CeGaT Center For Human Genetics Tuebingen Variant Classification Criteria Version 2. Collection method: clinical testing. Allele origin: germline. Affected: yes. Observed: 2 variant alleles.

Illumina Laboratory Services, Illumina
Classification: Uncertain significance for TH-deficient dopa-responsive dystonia. Last evaluated: 2017-04-28. Review status: criteria provided, single submitter. Criteria: ICSL Variant Classification Criteria 13 December 2019. Collection method: clinical testing. Allele origin: germline.
Comment: This variant was observed as part of a predisposition screen in an ostensibly healthy population. A literature search was performed for the gene, cDNA change, and amino acid change (where applicable). Publications were found based on this search. However, the evidence from the literature, in combination with allele frequency data from public databases where available, was not sufficient to rule this variant in or out of causing disease. Therefore, this variant is classified as a variant of unknown significance.

Natera, Inc.
Classification: Benign for Autosomal recessive Segawa syndrome. Last evaluated: 2020-09-16. Review status: no assertion criteria provided. Collection method: clinical testing. Allele origin: germline. Not counted in ClinVar's aggregate classification.

Counsyl
Classification: Uncertain significance for TH-deficient dopa-responsive dystonia. Last evaluated: 2017-01-09. Review status: no assertion criteria provided. Collection method: clinical testing. Allele origin: unknown. Not counted in ClinVar's aggregate classification.

Literature cited by the submitters: PubMed 27185167 (cited by Illumina Laboratory Services, Illumina); PubMed 27165006 (cited by Counsyl).

NM_000360.4(TH):c.679G>A (p.Glu227Lys)

Gene: TH (tyrosine hydroxylase; minus strand). Cytogenetic location: 11p15.5.
Variant type: single nucleotide variant.
Coding change: c.679G>A on transcript NM_000360.4 (MANE Select); coding-DNA position 679, G replaced by A.
Protein change: p.Glu227Lys; replaces glutamic acid 227 with lysine.
Molecular consequence: missense variant.
Genome position (GRCh38, 1-based): chr11:2,167,451, C>T on the plus strand (G>A on the coding strand, the complement: TH is on the minus strand). VCF-style: chr11-2167451-C-T. GRCh37 (hg19) VCF-style: chr11-2188681-C-T.
Other names: c.772G>A, p.Glu258Lys (NM_199292.3); c.760G>A, p.Glu254Lys (NM_199293.3); short protein forms E227K, E258K, E254K.
Identifiers: ClinVar variation 550188 (VCV000550188.62), dbSNP rs536382000, ClinGen allele CA5818539.